The following is an entry in ClinVar:

Single allele

Gene: NBPF12 (NBPF member 12; plus strand). Cytogenetic location: 1q21.1.
Variant type: single nucleotide variant.
Identifiers: ClinVar variation 3898106 (VCV003898106.4).

ClinVar aggregate classification (germline): Likely benign (1 of 4 stars; one submission).

Submission:

CeGaT Center for Human Genetics Tuebingen
Classification: Likely benign. Last evaluated: 2025-04-01. Review status: criteria provided, single submitter. Criteria: CeGaT Center For Human Genetics Tuebingen Variant Classification Criteria Version 2. Collection method: clinical testing. Allele origin: germline. Affected: yes. Observed: 1 variant allele.
Comment: NBPF12: BP4, BS2